The following is an entry in ClinVar:

NM_004369.4(COL6A3):c.8966-1G>C

Gene: COL6A3 (collagen type VI alpha 3 chain; minus strand). Cytogenetic location: 2q37.3.
Variant type: single nucleotide variant.
Coding change: c.8966-1G>C on transcript NM_004369.4 (MANE Select); the canonical splice acceptor site of the intron before coding-DNA position 8966, G replaced by C.
Molecular consequence: splice acceptor variant.
Genome position (GRCh38, 1-based): chr2:237,334,890, C>G on the plus strand (G>C on the coding strand, the complement: COL6A3 is on the minus strand). VCF-style: chr2-237334890-C-G. GRCh37 (hg19) VCF-style: chr2-238243533-C-G.
Other names: IVS40DS, G-C, -1; c.7145-1G>C (NM_057166.5); c.8348-1G>C (NM_057167.4).
Identifiers: ClinVar variation 192263 (VCV000192263.16), dbSNP rs767517186, ClinGen allele CA200148.
Genomic context (GRCh38, chr2:237,334,890, plus strand): 5'-AGTGGAGTTTGGCGCTGTTCTCTGTTATCTCAAACACCTGGACTTCACGGGACATCTTAA[C>G]TGAAAGATAGATCAGAGCGTGAAGATAAAAAATAAAATCCTCCATGACTGTAGTGCATGA-3'

ClinVar aggregate classification (germline): Pathogenic. Review status: criteria provided, multiple submitters, no conflicts (2 of 4 stars). 6 submissions from 6 submitters: Pathogenic (5). 1 of the submissions does not count toward it. Last evaluated 2025-01-29.

Conditions:
Dystonia 27 (DYT27). Identifiers: Orphanet 464440, MedGen C4225336, MONDO:0014627, OMIM 616411.
Bethlem myopathy 1A. Also called: MYOPATHY, BENIGN CONGENITAL, WITH CONTRACTURES; Bethlem myopathy 1; Bethlem Muscular Dystrophy. Identifiers: Orphanet 610, MedGen CN029274, MONDO:0024530, OMIM 158810.

Allele frequency attached by ClinVar (database versions not stated): ExAC 0.00002; gnomAD exomes 0.00002; gnomAD 0.00004; TOPMed 0.00004.
gnomAD v4.1: 46 of 1,613,998 alleles (0.0029%); highest among the groups gnomAD compares: Non-Finnish European, 0.0037%; no homozygotes.

Submissions (6):

Labcorp Genetics (formerly Invitae), Labcorp
Classification: Pathogenic for Bethlem myopathy 1A. Last evaluated: 2025-01-29. Review status: criteria provided, single submitter. Criteria: Invitae Variant Classification Sherloc (09022015). Collection method: clinical testing. Allele origin: germline.
Comment: This sequence change affects an acceptor splice site in intron 40 of the COL6A3 gene. RNA analysis indicates that disruption of this splice site induces altered splicing and likely results in a shortened protein product. This variant is present in population databases (rs767517186, gnomAD 0.004%). Disruption of this splice site has been observed in individuals with autosomal recessive dystonia (PMID: 26004199). It has also been observed to segregate with disease in related individuals. This variant has been reported in individual(s) with autosomal dominant myopathy (internal data); however, the role of the variant in this condition is currently unclear. ClinVar contains an entry for this variant (Variation ID: 192263). Studies have shown that disruption of this splice site results in skipping of exon 41, but is expected to preserve the integrity of the reading-frame (PMID: 26004199). For these reasons, this variant has been classified as Pathogenic.

MGZ Medical Genetics Center
Classification: Pathogenic for Dystonia 27. Last evaluated: 2022-06-27. Review status: criteria provided, single submitter. Criteria: ACMG Guidelines, 2015. Collection method: clinical testing. Allele origin: germline. Affected: yes. Observed: 2 variant alleles.
Comment: ACMG criteria applied: PVS1, PS3, PS4_MOD, PM3, PM2_SUP, PP1

GeneDx
Classification: Pathogenic. Last evaluated: 2022-02-27. Review status: criteria provided, single submitter. Criteria: GeneDx Variant Classification Process June 2021. Collection method: clinical testing. Allele origin: germline. Affected: yes.
Comment: Canonical splice site variant expected to result in aberrant splicing, and published functional studies demonstrate skipping of exon 41 (Zech et al., 2015); Not observed at a significant frequency in large population cohorts (gnomAD); Deletions involving coding exons of this gene are a known mechanism of disease (HGMD); This variant is associated with the following publications: (PMID: 26004199, 26872670, 32037012, 34313030)

Baylor Genetics
Classification: Pathogenic for Dystonia 27. Last evaluated: 2021-04-28. Review status: criteria provided, single submitter. Criteria: ACMG Guidelines, 2015. Collection method: clinical testing. Allele origin: unknown.

Eurofins Ntd Llc (ga)
Classification: Pathogenic. Last evaluated: 2017-05-05. Review status: criteria provided, single submitter. Criteria: EGL Classification Definitions 2015. Collection method: clinical testing. Allele origin: germline. Observed: 1 variant allele, 1 heterozygote.

OMIM
Classification: Pathogenic for DYSTONIA 27. Last evaluated: 2015-06-04. Review status: no assertion criteria provided. Collection method: literature only. Allele origin: germline. Not counted in ClinVar's aggregate classification.

Literature cited by the submitters: PubMed 26004199 (cited by Labcorp Genetics (formerly Invitae), Labcorp and OMIM).